The following is an entry in ClinVar:

NM_015937.6(PIGT):c.796C>T (p.Arg266Ter)

Gene: PIGT (phosphatidylinositol glycan anchor biosynthesis class T; plus strand). Cytogenetic location: 20q13.12.
Variant type: single nucleotide variant.
Coding change: c.796C>T on transcript NM_015937.6 (MANE Select); coding-DNA position 796, C replaced by T.
Protein change: p.Arg266Ter; replaces arginine 266 with a stop codon.
Molecular consequence: nonsense. On other transcripts: non-coding transcript variant (5).
Genome position (GRCh38, 1-based): chr20:45,420,358, C>T. VCF-style: chr20-45420358-C-T. GRCh37 (hg19) VCF-style: chr20-44048998-C-T.
Other names: c.628C>T, p.Arg210Ter (NM_001184728.3); c.796C>T, p.Arg266Ter (NM_001184729.3); c.490C>T, p.Arg164Ter (NM_001184730.3); short protein forms R210*, R164*, R266*.
Identifiers: ClinVar variation 639214 (VCV000639214.8), dbSNP rs754517456, ClinGen allele CA9878059.

ClinVar aggregate classification (germline): Pathogenic/Likely pathogenic. Review status: criteria provided, multiple submitters, no conflicts (2 of 4 stars). 2 submissions from 2 submitters: Pathogenic (1); Likely pathogenic (1). Last evaluated 2022-05-18.

Conditions:
Multiple congenital anomalies-hypotonia-seizures syndrome 3 (MCAHS3). Also called: GLYCOSYLPHOSPHATIDYLINOSITOL BIOSYNTHESIS DEFECT 7. Identifiers: Orphanet 369837, MedGen C3809356, MONDO:0014165, OMIM 615398.

Allele frequency attached by ClinVar (database versions not stated): TOPMed below 0.00001; ExAC 0.00001; gnomAD 0.00001; gnomAD exomes 0.00002.

Submissions (2):

Labcorp Genetics (formerly Invitae), Labcorp
Classification: Pathogenic for Multiple congenital anomalies-hypotonia-seizures syndrome 3. Last evaluated: 2022-05-18. Review status: criteria provided, single submitter. Criteria: Invitae Variant Classification Sherloc (09022015). Collection method: clinical testing. Allele origin: germline.
Comment: This variant is present in population databases (rs754517456, gnomAD 0.006%). This sequence change creates a premature translational stop signal (p.Arg266*) in the PIGT gene. It is expected to result in an absent or disrupted protein product. Loss-of-function variants in PIGT are known to be pathogenic (PMID: 24906948, 25943031). This variant has not been reported in the literature in individuals affected with PIGT-related conditions. ClinVar contains an entry for this variant (Variation ID: 639214). For these reasons, this variant has been classified as Pathogenic.

AiLife Diagnostics
Classification: Likely pathogenic. Last evaluated: 2021-08-06. Review status: criteria provided, single submitter. Criteria: ACMG Guidelines, 2015. Collection method: clinical testing. Allele origin: germline. Affected: yes. Observed: 1 variant allele.

Literature cited by the submitters: PubMed 24906948 (cited by Labcorp Genetics (formerly Invitae), Labcorp); PubMed 25943031 (cited by Labcorp Genetics (formerly Invitae), Labcorp).